The following is an entry in ClinVar:

NM_024298.5(MBOAT7):c.-3-2del

Gene: MBOAT7 (membrane bound acylglycerophosphatidylinositol O-acyltransferase MBOAT7; minus strand). Cytogenetic location: 19q13.42.
Variant type: Deletion.
Coding change: c.-3-2del on transcript NM_024298.5 (MANE Select); the canonical splice acceptor site of the intron before 3 bases upstream of the start codon, one base deleted (A; older notation c.-3-2delA).
Molecular consequence: splice acceptor variant. On other transcripts: intron variant (1).
Genome position (GRCh38, 1-based): chr19:54,188,513, T deleted on the plus strand (A on the coding strand, the reverse complement: MBOAT7 is on the minus strand). VCF-style (leftmost placement, unchanged base first): chr19-54188512-CT-C. GRCh37 (hg19) VCF-style: chr19-54692366-CT-C.
Other names: c.-16-167del (NM_001146056.3); c.-95-2del (NM_001146083.3); c.-3-2del (NM_001146082.3).
Identifiers: ClinVar variation 3775550 (VCV003775550.1).
Genomic context (GRCh38, chr19:54,188,512, plus strand): 5'-GCCGATGGGGATGGAGATAAGAAGAACCACTAGATACGTCCATTCTTCAGGCGACATGGT[CT>C]GGGGGAGGGGCAGAGATTCACAGTGAGAACCCAGGAATCCAGGCCCCCTGCCTCCTCCCT-3'

ClinVar aggregate classification (germline): Pathogenic (1 of 4 stars; one submission).

Conditions:
Intellectual developmental disorder, autosomal recessive 57. Also called: Intellectual disability, autosomal recessive 57. Identifiers: MedGen C4310673, MONDO:0014962, OMIM 617188.

Submission:

3billion
Classification: Pathogenic for Intellectual developmental disorder, autosomal recessive 57. Last evaluated: 2023-07-10. Review status: criteria provided, single submitter. Criteria: ACMG Guidelines, 2015. Collection method: clinical testing. Allele origin: germline. Affected: yes.
Comment: The variant is not observed in the gnomAD v2.1.1 dataset. Predicted Consequence/Location: Although this variant is predicted to alter splicing and potentially result in a loss or disruption of normal protein function, its location in the 5'UTR does not provide sufficient evidence to support its pathogenicity. Therefore, this variant is classified as VUS according to the recommendation of ACMG/AMP guideline.